The following is an entry in ClinVar:

NM_022114.4(PRDM16):c.3791C>T (p.Thr1264Met)

Gene: PRDM16 (PR/SET domain 16; plus strand). Cytogenetic location: 1p36.32.
Variant type: single nucleotide variant.
Coding change: c.3791C>T on transcript NM_022114.4 (MANE Select); coding-DNA position 3791, C replaced by T.
Protein change: p.Thr1264Met; replaces threonine 1264 with methionine.
Molecular consequence: missense variant.
Genome position (GRCh38, 1-based): chr1:3,433,771, C>T. VCF-style: chr1-3433771-C-T. GRCh37 (hg19) VCF-style: chr1-3350335-C-T.
Other names: c.3734C>T, p.Thr1245Met (NM_199454.3); short protein forms T1264M, T1245M.
Identifiers: ClinVar variation 2167761 (VCV002167761.4), dbSNP rs778185431, ClinGen allele CA544987.
Genomic context (GRCh38, chr1:3,433,771, plus strand): 5'-CTCCTCTCCACACCCCCTCCCAGGGTTCTCTGGACGCTTGGTTGAAGGTCACTGGAGCCA[C>T]GTCGGAGTCTGGAGCATTTCACCCCATCAACCACCTCTGACGGGCTGGGCAGCCGGGGGC-3'
Protein context (NP_071397.3, residues 1254-1274): LDAWLKVTGA[Thr1264Met]SESGAFHPIN

ClinVar aggregate classification (germline): Uncertain significance (1 of 4 stars; one submission).

Conditions:
Left ventricular noncompaction 8 (LVNC8). Identifiers: Orphanet 154, Orphanet 54260, MedGen C3809288, MONDO:0014152, OMIM 615373.

Allele frequency attached by ClinVar (database versions not stated): ExAC 0.00001.
gnomAD v4.1: 2 of 1,613,866 alleles (0.00012%); highest among the groups gnomAD compares: Non-Finnish European, 0.00017%; no homozygotes.

Submission:

Labcorp Genetics (formerly Invitae), Labcorp
Classification: Uncertain significance for Left ventricular noncompaction 8. Last evaluated: 2023-07-28. Review status: criteria provided, single submitter. Criteria: Invitae Variant Classification Sherloc (09022015). Collection method: clinical testing. Allele origin: germline.
Comment: This sequence change replaces threonine, which is neutral and polar, with methionine, which is neutral and non-polar, at codon 1264 of the PRDM16 protein (p.Thr1264Met). In summary, the available evidence is currently insufficient to determine the role of this variant in disease. Therefore, it has been classified as a Variant of Uncertain Significance. An algorithm developed to predict the effect of missense changes on protein structure and function (PolyPhen-2) suggests that this variant is likely to be disruptive. ClinVar contains an entry for this variant (Variation ID: 2167761). This variant has not been reported in the literature in individuals affected with PRDM16-related conditions. The frequency data for this variant in the population databases is considered unreliable, as metrics indicate poor data quality at this position in the gnomAD database.